The following is an entry in ClinVar:

NM_001298.3(CNGA3):c.1405G>C (p.Ala469Pro)

Gene: CNGA3 (cyclic nucleotide gated channel subunit alpha 3; plus strand). Cytogenetic location: 2q11.2.
Variant type: single nucleotide variant.
Coding change: c.1405G>C on transcript NM_001298.3 (MANE Select); coding-DNA position 1405, G replaced by C.
Protein change: p.Ala469Pro; replaces alanine 469 with proline.
Molecular consequence: missense variant.
Genome position (GRCh38, 1-based): chr2:98,396,575, G>C. VCF-style: chr2-98396575-G-C. GRCh37 (hg19) VCF-style: chr2-99013038-G-C.
Other names: c.1351G>C, p.Ala451Pro (NM_001079878.2); short protein forms A451P, A469P.
Identifiers: ClinVar variation 2813849 (VCV002813849.3), dbSNP rs117522010, ClinGen allele CA347833493.
Genomic context (GRCh38, chr2:98,396,575, plus strand): 5'-AAGACGGTGGATGAGAAGGAGGTGCTCAAGAGCCTCCCAGACAAGCTGAAGGCTGAGATC[G>C]CCATCAACGTGCACCTGGACACGCTGAAGAAGGTTCGCATCTTCCAGGACTGTGAGGCAG-3'
Protein context (NP_001289.1, residues 459-479): SLPDKLKAEI[Ala469Pro]INVHLDTLKK

ClinVar aggregate classification (germline): Likely pathogenic (1 of 4 stars; one submission).

Submission:

Labcorp Genetics (formerly Invitae), Labcorp
Classification: Likely pathogenic. Last evaluated: 2023-09-06. Review status: criteria provided, single submitter. Criteria: Invitae Variant Classification Sherloc (09022015). Collection method: clinical testing. Allele origin: germline.
Comment: In summary, the currently available evidence indicates that the variant is pathogenic, but additional data are needed to prove that conclusively. Therefore, this variant has been classified as Likely Pathogenic. This variant disrupts the p.Ala469 amino acid residue in CNGA3. Other variant(s) that disrupt this residue have been determined to be pathogenic (PMID: 18521937, 28041643). This suggests that this residue is clinically significant, and that variants that disrupt this residue are likely to be disease-causing. Advanced modeling of protein sequence and biophysical properties (such as structural, functional, and spatial information, amino acid conservation, physicochemical variation, residue mobility, and thermodynamic stability) performed at Invitae indicates that this missense variant is expected to disrupt CNGA3 protein function. This variant has not been reported in the literature in individuals affected with CNGA3-related conditions. This variant is not present in population databases (gnomAD no frequency). This sequence change replaces alanine, which is neutral and non-polar, with proline, which is neutral and non-polar, at codon 469 of the CNGA3 protein (p.Ala469Pro).

Literature cited by the submitters: PubMed 18521937; PubMed 28041643.